The following is an entry in ClinVar:

NM_016363.5(GP6):c.*50G>T

Gene: GP6 (glycoprotein VI platelet; minus strand). Cytogenetic location: 19q13.42.
Variant type: single nucleotide variant.
Coding change: c.*50G>T on transcript NM_016363.5 (MANE Select); 50 bases downstream of the stop codon, G replaced by T.
Molecular consequence: 3 prime UTR variant. On other transcripts: synonymous variant (1).
Genome position (GRCh38, 1-based): chr19:55,014,871, C>A on the plus strand (G>T on the coding strand, the complement: GP6 is on the minus strand). VCF-style: chr19-55014871-C-A. GRCh37 (hg19) VCF-style: chr19-55526239-C-A.
Other names: c.1074G>T, p.Gly358= (NM_001083899.2); c.*50G>T (NM_001256017.2).
Identifiers: ClinVar variation 4744625 (VCV004744625.1).

ClinVar aggregate classification (germline): Uncertain significance (1 of 4 stars; one submission).

gnomAD v4.1: 12 of 1,614,072 alleles (0.00074%); highest among the groups gnomAD compares: Middle Eastern, 0.12%; no homozygotes.

Submission:

Labcorp Genetics (formerly Invitae), Labcorp
Classification: Uncertain significance. Last evaluated: 2025-09-28. Review status: criteria provided, single submitter. Criteria: Invitae Variant Classification Sherloc (09022015). Collection method: clinical testing. Allele origin: germline.
Comment: This sequence change affects codon 358 of the GP6 mRNA. It is a 'silent' change, meaning that it does not change the encoded amino acid sequence of the GP6 protein. This variant is present in population databases (rs768256234, gnomAD 0.0009%). This variant has not been reported in the literature in individuals affected with GP6-related conditions. Algorithms developed to predict the effect of sequence changes on RNA splicing suggest that this variant may create or strengthen a splice site. In summary, the available evidence is currently insufficient to determine the role of this variant in disease. Therefore, it has been classified as a Variant of Uncertain Significance.